The following is an entry in ClinVar:

NM_003906.5(MCM3AP):c.1132C>G (p.Pro378Ala)

Gene: MCM3AP (minichromosome maintenance complex component 3 associated protein; minus strand). Cytogenetic location: 21q22.3.
Variant type: single nucleotide variant.
Coding change: c.1132C>G on transcript NM_003906.5 (MANE Select); coding-DNA position 1132, C replaced by G.
Protein change: p.Pro378Ala; replaces proline 378 with alanine.
Molecular consequence: missense variant.
Genome position (GRCh38, 1-based): chr21:46,284,155, G>C on the plus strand (C>G on the coding strand, the complement: MCM3AP is on the minus strand). VCF-style: chr21-46284155-G-C. GRCh37 (hg19) VCF-style: chr21-47704069-G-C.
Other names: c.1132C>G (NM_003906.4); short protein forms P378A.
Identifiers: ClinVar variation 1430075 (VCV001430075.4), dbSNP rs371419596, ClinGen allele CA10077185.

ClinVar aggregate classification (germline): Uncertain significance. Review status: criteria provided, multiple submitters, no conflicts (2 of 4 stars). 2 submissions from 2 submitters: Uncertain significance (2). Last evaluated 2025-12-29.

Conditions:
MCM3AP-related disorder. Also called: MCM3AP-related condition.

Allele frequency attached by ClinVar (database versions not stated): ExAC 0.00003; gnomAD exomes 0.00003 and 0.00004; ESP Exome Variant Server 0.00008; 1000 Genomes Project 30x 0.00016; 1000 Genomes Project 0.00020; gnomAD 0.00023 and 0.00026.
gnomAD v4.1: 77 of 1,614,130 alleles (0.0048%); highest among the groups gnomAD compares: African/African-American, 0.085%; no homozygotes.

Submissions (2):

PreventionGenetics, part of Exact Sciences
Classification: Uncertain significance for MCM3AP-related condition. Last evaluated: 2025-12-29. Review status: criteria provided, single submitter. Criteria: ACMG Guidelines, 2015. Collection method: clinical testing. Allele origin: germline.
Comment: The MCM3AP c.1132C>G variant is predicted to result in the amino acid substitution p.Pro378Ala. To our knowledge, this variant has not been reported in the literature. This variant is reported in 0.080% of alleles in individuals of African descent in gnomAD. At this time, the clinical significance of this variant is uncertain due to the absence of conclusive functional and genetic evidence.

Labcorp Genetics (formerly Invitae), Labcorp
Classification: Uncertain significance. Last evaluated: 2022-08-23. Review status: criteria provided, single submitter. Criteria: Invitae Variant Classification Sherloc (09022015). Collection method: clinical testing. Allele origin: germline.
Comment: This sequence change replaces proline, which is neutral and non-polar, with alanine, which is neutral and non-polar, at codon 378 of the MCM3AP protein (p.Pro378Ala). This variant is present in population databases (rs371419596, gnomAD 0.09%). This variant has not been reported in the literature in individuals affected with MCM3AP-related conditions. ClinVar contains an entry for this variant (Variation ID: 1430075). Algorithms developed to predict the effect of missense changes on protein structure and function output the following: SIFT: "Tolerated"; PolyPhen-2: "Benign"; Align-GVGD: "Class C0". The alanine amino acid residue is found in multiple mammalian species, which suggests that this missense change does not adversely affect protein function. In summary, the available evidence is currently insufficient to determine the role of this variant in disease. Therefore, it has been classified as a Variant of Uncertain Significance.